The following is an entry in ClinVar:

ClinVar aggregate classification (germline): Conflicting classifications of pathogenicity. Review status: criteria provided, conflicting classifications (1 of 4 stars). 2 submissions from 2 submitters: Pathogenic (1); Uncertain significance (1). Last evaluated 2023-06-05.

Allele frequency attached by ClinVar (database versions not stated): gnomAD exomes below 0.00001; TOPMed below 0.00001.
gnomAD v4.1: 1 of 1,613,642 alleles (0.000062%); highest among the groups gnomAD compares: Non-Finnish European, 0.000085%; no homozygotes.

Submissions (2):

Labcorp Genetics (formerly Invitae), Labcorp
Classification: Pathogenic. Last evaluated: 2023-06-05. Review status: criteria provided, single submitter. Criteria: Invitae Variant Classification Sherloc (09022015). Collection method: clinical testing. Allele origin: germline.
Comment: This sequence change replaces tyrosine, which is neutral and polar, with aspartic acid, which is acidic and polar, at codon 1770 of the ABCA4 protein (p.Tyr1770Asp). ClinVar contains an entry for this variant (Variation ID: 866504). Advanced modeling of protein sequence and biophysical properties (such as structural, functional, and spatial information, amino acid conservation, physicochemical variation, residue mobility, and thermodynamic stability) performed at Invitae indicates that this missense variant is expected to disrupt ABCA4 protein function. For these reasons, this variant has been classified as Pathogenic. This missense change has been observed in individual(s) with Stargardt disease (PMID: 25312043; Invitae). This variant is not present in population databases (gnomAD no frequency).

Blueprint Genetics
Classification: Uncertain significance. Last evaluated: 2020-02-21. Review status: criteria provided, single submitter. Criteria: ACMG Guidelines, 2015. Collection method: clinical testing. Allele origin: germline.

Literature cited by the submitters: PubMed 25312043 (cited by Labcorp Genetics (formerly Invitae), Labcorp).

NM_000350.3(ABCA4):c.5308T>G (p.Tyr1770Asp)

Gene: ABCA4 (ATP binding cassette subfamily A member 4; minus strand). Cytogenetic location: 1p22.1.
Variant type: single nucleotide variant.
Coding change: c.5308T>G on transcript NM_000350.3 (MANE Select); coding-DNA position 5308, T replaced by G.
Protein change: p.Tyr1770Asp; replaces tyrosine 1770 with aspartic acid.
Molecular consequence: missense variant.
Genome position (GRCh38, 1-based): chr1:94,015,743, A>C on the plus strand (T>G on the coding strand, the complement: ABCA4 is on the minus strand). VCF-style: chr1-94015743-A-C. GRCh37 (hg19) VCF-style: chr1-94481299-A-C.
Other names: c.5086T>G, p.Tyr1696Asp (NM_001425324.1); short protein forms Y1770D, Y1696D.
Identifiers: ClinVar variation 866504 (VCV000866504.11), dbSNP rs1195430987, ClinGen allele CA341281554.